The following is an entry in ClinVar:

ClinVar aggregate classification (germline): Uncertain significance. Review status: criteria provided, single submitter (1 of 4 stars). 2 submissions from 2 submitters: Uncertain significance (1). 1 of the submissions does not count toward it. Last evaluated 2023-08-08.

Conditions:
MKS1-related disorder. Also called: MKS1-related disorders; MKS1-related condition. Identifiers: MedGen CN239382.

gnomAD v4.1: 1 of 1,551,276 alleles (0.000064%); highest among the groups gnomAD compares: Non-Finnish European, 0.000087%; no homozygotes.

Submissions (2):

GeneDx
Classification: Uncertain significance. Last evaluated: 2023-08-08. Review status: criteria provided, single submitter. Criteria: GeneDx Variant Classification Process June 2021. Collection method: clinical testing. Allele origin: germline. Affected: yes.
Comment: Not observed at significant frequency in large population cohorts (gnomAD); In silico analysis supports that this missense variant has a deleterious effect on protein structure/function; In silico analysis is inconclusive as to whether the variant alters gene splicing. In the absence of RNA/functional studies, the actual effect of this sequence change is unknown.; Has not been previously published as pathogenic or benign to our knowledge

PreventionGenetics, part of Exact Sciences
Classification: Uncertain significance for MKS1-related condition. Last evaluated: 2023-12-29. Review status: no assertion criteria provided. Collection method: clinical testing. Allele origin: germline. Not counted in ClinVar's aggregate classification.
Comment: The MKS1 c.64C>T variant is predicted to result in the amino acid substitution p.Arg22Cys. To our knowledge, this variant has not been reported in the literature. This variant is reported in 0.0017% of alleles in individuals of European (Non-Finnish) descent in gnomAD. At this time, the clinical significance of this variant is uncertain due to the absence of conclusive functional and genetic evidence.

NM_017777.4(MKS1):c.64C>T (p.Arg22Cys)

Genes: MKS1 (MKS transition zone complex subunit 1; minus strand), LOC130061271 (ATAC-STARR-seq lymphoblastoid active region 12461; plus strand). Cytogenetic location: 17q22.
Variant type: single nucleotide variant.
Coding change: c.64C>T on transcript NM_017777.4 (MANE Select); coding-DNA position 64, C replaced by T.
Protein change: p.Arg22Cys; replaces arginine 22 with cysteine.
Molecular consequence: missense variant. On other transcripts: 5 prime UTR variant (1).
Genome position (GRCh38, 1-based): chr17:58,219,167, G>A on the plus strand (C>T on the coding strand, the complement: MKS1 is on the minus strand). VCF-style: chr17-58219167-G-A. GRCh37 (hg19) VCF-style: chr17-56296528-G-A.
Other names: c.-448C>T (NM_001321268.2); c.64C>T, p.Arg22Cys (NM_001321269.2, NM_001330397.2, NM_001411113.1); short protein forms R22C.
Identifiers: ClinVar variation 3252509 (VCV003252509.2), dbSNP rs1031187314.